The following is an entry in ClinVar:

ClinVar aggregate classification (germline): Uncertain significance. Review status: reviewed by expert panel (3 of 4 stars). 3 submissions from 3 submitters: Uncertain significance (1). 2 of the submissions do not count toward it. Last evaluated 2026-10-27.

Conditions:
CYP1B1-related glaucoma with or without anterior segment dysgenesis. Identifiers: MedGen CN375931, MONDO:0800472.
Congenital glaucoma. Identifiers: MedGen C0020302, MONDO:0020366.

Allele frequency attached by ClinVar (database versions not stated): TOPMed 0.00005; ExAC 0.00004; gnomAD 0.00005; ESP Exome Variant Server 0.00008.

Submissions (4):

ClinGen Glaucoma Variant Curation Expert Panel
Classification: Uncertain significance for CYP1B1-related glaucoma with or without anterior segment dysgenesis. Last evaluated: 2026-10-27. Review status: reviewed by expert panel. Criteria: ClinGen Glaucoma ACMG Specifications CYP1B1 V2.0. Collection method: curation. Allele origin: germline. Inheritance: Autosomal recessive inheritance.
Comment: The c.45G>T variant in CYP1B1 is a synonymous variant (p.Pro15=). The highest minor allele frequency of this variant was in the Ashkenazi Jewish genetic ancestry group of gnomAD (v4.1) = 0.001691 (50 alleles out of 29,564), which did not meet the PM2_Supporting allele frequency threshold (≤ 0.0005) or the BS1 allele frequency threshold (≥ 0.01). The SpliceAI score = 0.15, which was neither above nor below the thresholds for PP3 (≥ 0.2) or BP4 (≤ 0.1), predicting a damaging or benign impact on CYP1B1 function. There was no functional evidence predicting a damaging or benign impact of this variant on CYP1B1 function. This variant has been identified in an individual in laboratory testing (ClinVar database), however no phenotypic or genotypic information was able to be obtained for PM3 to be assessed. In summary, this variant did not meet any criteria, receiving a score of 0 and a classification as a variant of uncertain significance (uncertain significance classification range -1 to 5, adapted from PMID: 32720330) for CYP1B1-related glaucoma with or without anterior segment dysgenesis (ASD) based on the ACMG/AMP criteria met, as specified by the ClinGen Glaucoma VCEP (v2.0, 16.07.2026): none

Labcorp Genetics (formerly Invitae), Labcorp
Classification: Likely benign for Congenital glaucoma. Last evaluated: 2024-02-15. Review status: criteria provided, single submitter. Criteria: Invitae Variant Classification Sherloc (09022015). Collection method: clinical testing. Allele origin: germline. Not counted in ClinVar's aggregate classification.

Eurofins Ntd Llc (ga)
Classification: Uncertain significance. Last evaluated: 2014-10-24. Review status: criteria provided, single submitter. Criteria: EGL Classification Definitions 2015. Collection method: clinical testing. Allele origin: germline. Not counted in ClinVar's aggregate classification.

Dr. Peter K. Rogan Lab, Western University
No classification provided (evidence only). Condition: Ovarian serous cystadenocarcinoma. Review status: no classification provided. Collection method: in vitro. Allele origin: not applicable. Functional consequence: retained intron. Not counted in ClinVar's aggregate classification.

NM_000104.4(CYP1B1):c.45G>T (p.Pro15=)

Gene: CYP1B1 (cytochrome P450 family 1 subfamily B member 1; minus strand). Cytogenetic location: 2p22.2.
Variant type: single nucleotide variant.
Coding change: c.45G>T on transcript NM_000104.4 (MANE Select); coding-DNA position 45, G replaced by T.
Protein change: p.Pro15=; no amino-acid change (proline 15 retained).
Molecular consequence: synonymous variant.
Genome position (GRCh38, 1-based): chr2:38,075,344, C>A on the plus strand (G>T on the coding strand, the complement: CYP1B1 is on the minus strand). VCF-style: chr2-38075344-C-A. GRCh37 (hg19) VCF-style: chr2-38302487-C-A.
Other names: NM_000104.4(CYP1B1):c.45G>T; p.Pro15=.
Identifiers: ClinVar variation 195016 (VCV000195016.10), dbSNP rs145847992, ClinGen allele CA241278.
Genomic context (GRCh38, chr2:38,075,344, plus strand): 5'-CACATGCACAGTGGCCAGCACCGACAGGAGTAGCAGGAGCGTGGTCTGCTGGATGGACAG[C>A]GGGTTTAGCGGCCAAGGGTCGTTCGGGCTGAGGCTGGTGCCCATGCTGGGGACAGAGAGG-3'
Protein context (NP_000095.2, residues 5-25): LSPNDPWPLN[Pro15=]LSIQQTTLLL